The following is an entry in ClinVar:

NM_000059.4(BRCA2):c.3577G>T (p.Ala1193Ser)

Gene: BRCA2 (BRCA2 DNA repair associated; plus strand). Cytogenetic location: 13q13.1.
Variant type: single nucleotide variant.
Coding change: c.3577G>T on transcript NM_000059.4 (MANE Select); coding-DNA position 3577, G replaced by T.
Protein change: p.Ala1193Ser; replaces alanine 1193 with serine.
Molecular consequence: missense variant.
Genome position (GRCh38, 1-based): chr13:32,337,932, G>T. VCF-style: chr13-32337932-G-T. GRCh37 (hg19) VCF-style: chr13-32912069-G-T.
Other names: short protein forms A1193S.
Identifiers: ClinVar variation 823949 (VCV000823949.6), dbSNP rs1555283297, ClinGen allele CA387777371.

ClinVar aggregate classification (germline): Likely benign. Review status: criteria provided, multiple submitters, no conflicts (2 of 4 stars). 2 submissions from 2 submitters: Likely benign (2). Last evaluated 2023-12-27.

Conditions:
Hereditary cancer-predisposing syndrome. Also called: Neoplastic Syndromes, Hereditary; Tumor predisposition; Hereditary neoplastic syndrome; Hereditary Cancer Syndrome. Identifiers: Orphanet 140162, MedGen C0027672, MeSH D009386, MONDO:0015356.

Submissions (2):

Ambry Genetics
Classification: Likely benign for Hereditary cancer-predisposing syndrome. Last evaluated: 2023-12-27. Review status: criteria provided, single submitter. Criteria: Ambry Variant Classification Scheme 2023. Collection method: clinical testing. Allele origin: germline.

University of Washington Department of Laboratory Medicine, University of Washington
Classification: Likely benign for Hereditary cancer-predisposing syndrome. Last evaluated: 2023-03-23. Review status: criteria provided, single submitter. Criteria: Dines et al. (Genet Med. 2020). Collection method: curation. Allele origin: germline.
Comment: Missense variant in a coldspot region where missense variants are very unlikely to be pathogenic (PMID:31911673).

BRCA2 exon 11 coldspot. Reclassification based on statistical prior probability.